The following is an entry in ClinVar:

ClinVar aggregate classification (germline): Uncertain significance (1 of 4 stars; one submission).

Conditions:
Tay-Sachs disease (TSD). Also called: HEXA DEFICIENCY; HEXA Disorders; GM2 gangliosidosis, type 1; Hexosaminidase alpha-subunit deficiency (variant B); Sphingolipidosis, Tay-Sachs; Hexosaminidase A Deficiency. Identifiers: Orphanet 845, MedGen C0039373, MONDO:0010100, OMIM 272800.

Submission:

Labcorp Genetics (formerly Invitae), Labcorp
Classification: Uncertain significance for Tay-Sachs disease. Last evaluated: 2022-08-15. Review status: criteria provided, single submitter. Criteria: Invitae Variant Classification Sherloc (09022015). Collection method: clinical testing. Allele origin: germline.
Comment: A copy number gain of the genomic region encompassing the full coding sequence of the HEXA gene has been identified. The boundaries of this event are unknown as they extend beyond the assayed region for this gene and therefore may encompass additional genes. As the precise location of this event is unknown, it may be in tandem or it may be located elsewhere in the genome. This variant has not been reported in the literature in individuals affected with HEXA-related conditions. Experimental studies and prediction algorithms are not available or were not evaluated, and the functional significance of this variant is currently unknown. In summary, the available evidence is currently insufficient to determine the role of this variant in disease. Therefore, it has been classified as a Variant of Uncertain Significance.

NC_000015.9:g.(?_72636418)_(73660611_?)dup

Genes: ADPGK (ADP dependent glucokinase; minus strand), ARIH1 (ariadne RBR E3 ubiquitin protein ligase 1; plus strand), BBS4 (Bardet-Biedl syndrome 4; plus strand), GOLGA6B (golgin A6 family member B; plus strand), HCN4 (hyperpolarization activated cyclic nucleotide gated potassium channel 4; minus strand) and 3 more. Cytogenetic location: 15q23-24.1.
Variant type: Duplication.
Identifiers: ClinVar variation 2423198 (VCV002423198.3).